The following is an entry in ClinVar:

ClinVar aggregate classification (germline): Uncertain significance (1 of 4 stars; one submission).

Conditions:
LAMA2-related muscular dystrophy (LAMA2-RD). Also called: Laminin alpha 2-related dystrophy. Identifiers: MedGen C5679788, MONDO:0100228.

gnomAD v4.1: 1 of 1,613,622 alleles (0.000062%); highest among the groups gnomAD compares: Non-Finnish European, 0.000085%; no homozygotes.

Submission:

Labcorp Genetics (formerly Invitae), Labcorp
Classification: Uncertain significance for LAMA2-related muscular dystrophy. Last evaluated: 2022-07-05. Review status: criteria provided, single submitter. Criteria: Invitae Variant Classification Sherloc (09022015). Collection method: clinical testing. Allele origin: germline.
Comment: In summary, the available evidence is currently insufficient to determine the role of this variant in disease. Therefore, it has been classified as a Variant of Uncertain Significance. Advanced modeling of protein sequence and biophysical properties (such as structural, functional, and spatial information, amino acid conservation, physicochemical variation, residue mobility, and thermodynamic stability) performed at Invitae indicates that this missense variant is not expected to disrupt LAMA2 protein function. ClinVar contains an entry for this variant (Variation ID: 543856). This missense change has been observed in individual(s) with dilated cardiomyopathy (PMID: 31983221). This variant is not present in population databases (gnomAD no frequency). This sequence change replaces alanine, which is neutral and non-polar, with proline, which is neutral and non-polar, at codon 2253 of the LAMA2 protein (p.Ala2253Pro).

Literature cited by the submitters: PubMed 31983221.

NM_000426.4(LAMA2):c.6757G>C (p.Ala2253Pro)

Gene: LAMA2 (laminin subunit alpha 2; plus strand). Cytogenetic location: 6q22.33.
Variant type: single nucleotide variant.
Coding change: c.6757G>C on transcript NM_000426.4 (MANE Select); coding-DNA position 6757, G replaced by C.
Protein change: p.Ala2253Pro; replaces alanine 2253 with proline.
Molecular consequence: missense variant.
Genome position (GRCh38, 1-based): chr6:129,456,384, G>C. VCF-style: chr6-129456384-G-C. GRCh37 (hg19) VCF-style: chr6-129777529-G-C.
Other names: c.6757G>C, p.Ala2253Pro (NM_001079823.2); short protein forms A2253P.
Identifiers: ClinVar variation 543856 (VCV000543856.7), dbSNP rs1554300251, ClinGen allele CA365618186.